The following is an entry in ClinVar:

NM_000051.4(ATM):c.7788+10T>C

Genes: ATM (ATM serine/threonine kinase; plus strand), C11orf65 (chromosome 11 open reading frame 65; minus strand). Cytogenetic location: 11q22.3.
Variant type: single nucleotide variant.
Coding change: c.7788+10T>C on transcript NM_000051.4 (MANE Select); 10 bases into the intron after coding-DNA position 7788, T replaced by C.
Molecular consequence: intron variant.
Genome position (GRCh38, 1-based): chr11:108,332,047, T>C. VCF-style: chr11-108332047-T-C. GRCh37 (hg19) VCF-style: chr11-108202774-T-C.
Other names: c.7788+10T>C (NM_001351834.2); c.641-22976A>G (NM_001330368.2); c.*38+3173A>G (NM_001351110.2).
Identifiers: ClinVar variation 1545370 (VCV001545370.9), dbSNP rs1555124759, ClinGen allele CA2573146777.
Genomic context (GRCh38, chr11:108,332,047, plus strand): 5'-AGAAGCAGAATAACTAAAAATGTGCCTAAACAAAGCTCTCAGCTTGATGAGGTATTTGGA[T>C]TAAACATACGTACCTTTTAGAAGTGTGATATTCAGTCTTTCCTAGAATATTTCTTTTTAA-3'

ClinVar aggregate classification (germline): Likely benign. Review status: criteria provided, multiple submitters, no conflicts (2 of 4 stars). 2 submissions from 2 submitters: Likely benign (2). Last evaluated 2024-06-17.

Conditions:
Familial cancer of breast. Also called: BREAST CANCER, FAMILIAL; Hereditary breast cancer; hereditary breast carcinoma. Identifiers: Orphanet 227535, MedGen C0346153, MONDO:0016419, OMIM 114480. Disease mechanism: loss of function.
Ataxia-telangiectasia syndrome (AT). Also called: LOUIS-BAR SYNDROME; Cerebello-oculocutaneous telangiectasia; Immunodeficiency with ataxia telangiectasia; Ataxia telangiectasia (A-T); Ataxia-telangiectasia, complementation group D; AT, COMPLEMENTATION GROUP C. Identifiers: Orphanet 100, MedGen C0004135, MONDO:0008840, OMIM 208900.

Allele frequency attached by ClinVar (database versions not stated): gnomAD exomes below 0.00001.
gnomAD v4.1: 2 of 1,613,344 alleles (0.00012%); highest among the groups gnomAD compares: Non-Finnish European, 0.00017%; no homozygotes.

Submissions (2):

Myriad Genetics, Inc.
Classification: Likely benign for Familial cancer of breast. Last evaluated: 2024-06-17. Review status: criteria provided, single submitter. Criteria: Myriad Autosomal Dominant, Autosomal Recessive and X-Linked Classification Criteria (2023). Collection method: clinical testing. Allele origin: unknown.
Comment: This variant is considered likely benign. This variant is intronic and is not expected to impact mRNA splicing.

Labcorp Genetics (formerly Invitae), Labcorp
Classification: Likely benign for Ataxia-telangiectasia syndrome. Last evaluated: 2021-03-27. Review status: criteria provided, single submitter. Criteria: Invitae Variant Classification Sherloc (09022015). Collection method: clinical testing. Allele origin: germline.